The following is an entry in ClinVar:

ClinVar aggregate classification (germline): Uncertain significance (1 of 4 stars; one submission).

Conditions:
Hereditary spastic paraplegia 11. Also called: Autosomal recessive hereditary spastic paraplegia, mental impairment, and thin corpus callosum; SPASTIC PARAPLEGIA, AUTOSOMAL RECESSIVE, COMPLICATED, WITH THIN CORPUS CALLOSUM; SPASTIC PARAPLEGIA, AUTOSOMAL RECESSIVE, WITH MENTAL IMPAIRMENT AND THIN CORPUS CALLOSUM; Spastic paraplegia, mental retardation and thin corpus callosum; Spastic Paraplegia 11; Nakamura Osame syndrome. Identifiers: Orphanet 2822, MedGen C1858479, MONDO:0011445, OMIM 604360.

Allele frequency attached by ClinVar (database versions not stated): gnomAD 0.00001; gnomAD exomes 0.00001.
gnomAD v4.1: 6 of 1,614,026 alleles (0.00037%); highest among the groups gnomAD compares: Non-Finnish European, 0.00051%; no homozygotes.

Submission:

Labcorp Genetics (formerly Invitae), Labcorp
Classification: Uncertain significance for Hereditary spastic paraplegia 11. Last evaluated: 2021-08-14. Review status: criteria provided, single submitter. Criteria: Invitae Variant Classification Sherloc (09022015). Collection method: clinical testing. Allele origin: germline.
Comment: This sequence change replaces proline with histidine at codon 179 of the SPG11 protein (p.Pro179His). The proline residue is moderately conserved and there is a moderate physicochemical difference between proline and histidine. This variant is present in population databases (rs144167846, ExAC 0.004%). This variant has not been reported in the literature in individuals affected with SPG11-related conditions. Algorithms developed to predict the effect of missense changes on protein structure and function are either unavailable or do not agree on the potential impact of this missense change (SIFT: "Deleterious"; PolyPhen-2: "Probably Damaging"; Align-GVGD: "Class C0"). In summary, the available evidence is currently insufficient to determine the role of this variant in disease. Therefore, it has been classified as a Variant of Uncertain Significance.

NM_025137.4(SPG11):c.536C>A (p.Pro179His)

Gene: SPG11 (SPG11 vesicle trafficking associated, spatacsin; minus strand). Cytogenetic location: 15q21.1.
Variant type: single nucleotide variant.
Coding change: c.536C>A on transcript NM_025137.4 (MANE Select); coding-DNA position 536, C replaced by A.
Protein change: p.Pro179His; replaces proline 179 with histidine.
Molecular consequence: missense variant.
Genome position (GRCh38, 1-based): chr15:44,659,210, G>T on the plus strand (C>A on the coding strand, the complement: SPG11 is on the minus strand). VCF-style: chr15-44659210-G-T. GRCh37 (hg19) VCF-style: chr15-44951408-G-T.
Other names: c.536C>A, p.Pro179His (NM_001160227.2); short protein forms P179H.
Identifiers: ClinVar variation 1474949 (VCV001474949.5), dbSNP rs144167846, ClinGen allele CA7535800.